The following is an entry in ClinVar:

ClinVar aggregate classification (germline): Uncertain significance. Review status: criteria provided, multiple submitters, no conflicts (2 of 4 stars). 2 submissions from 2 submitters: Uncertain significance (2). Last evaluated 2024-03-02.

Conditions:
Colorectal cancer. Also called: Colorectal cancer, somatic; Malignant Colorectal Neoplasm. Identifiers: MedGen C0346629, MONDO:0005575, OMIM 114500.

gnomAD v4.1: 2 of 1,614,004 alleles (0.00012%); highest among the groups gnomAD compares: African/African-American, 0.0013%; no homozygotes.

Submissions (2):

Labcorp Genetics (formerly Invitae), Labcorp
Classification: Uncertain significance. Last evaluated: 2024-03-02. Review status: criteria provided, single submitter. Criteria: Invitae Variant Classification Sherloc (09022015). Collection method: clinical testing. Allele origin: germline.
Comment: This sequence change replaces leucine, which is neutral and non-polar, with isoleucine, which is neutral and non-polar, at codon 98 of the DLC1 protein (p.Leu98Ile). This variant is not present in population databases (gnomAD no frequency). This variant has not been reported in the literature in individuals affected with DLC1-related conditions. An algorithm developed to predict the effect of missense changes on protein structure and function (PolyPhen-2) suggests that this variant is likely to be tolerated. In summary, the available evidence is currently insufficient to determine the role of this variant in disease. Therefore, it has been classified as a Variant of Uncertain Significance.

Fulgent Genetics
Classification: Uncertain significance for Colorectal cancer. Last evaluated: 2024-02-03. Review status: criteria provided, single submitter. Criteria: ACMG Guidelines, 2015. Collection method: clinical testing. Allele origin: germline.

NM_182643.3(DLC1):c.292C>A (p.Leu98Ile)

Gene: DLC1 (DLC1 Rho GTPase activating protein; minus strand). Cytogenetic location: 8p22.
Variant type: single nucleotide variant.
Coding change: c.292C>A on transcript NM_182643.3 (MANE Select); coding-DNA position 292, C replaced by A.
Protein change: p.Leu98Ile; replaces leucine 98 with isoleucine.
Molecular consequence: missense variant. On other transcripts: 5 prime UTR variant (1).
Genome position (GRCh38, 1-based): chr8:13,499,780, G>T on the plus strand (C>A on the coding strand, the complement: DLC1 is on the minus strand). VCF-style: chr8-13499780-G-T. GRCh37 (hg19) VCF-style: chr8-13357289-G-T.
Other names: c.292C>A, p.Leu98Ile (NM_001348081.2, NM_001413124.1, NM_001413125.1 and 1 more transcripts); c.-1160C>A (NM_001348082.2); short protein forms L98I.
Identifiers: ClinVar variation 3595239 (VCV003595239.3).